The following is an entry in ClinVar:

ClinVar aggregate classification (germline): Uncertain significance. Review status: criteria provided, multiple submitters, no conflicts (2 of 4 stars). 2 submissions from 2 submitters: Uncertain significance (2). Last evaluated 2026-02-18.

Conditions:
MYBPC3-related disorder. Also called: MYBPC3-related condition; MYBPC3-related disease; MYBPC3-related disorders.

Submissions (2):

GeneDx
Classification: Uncertain significance. Last evaluated: 2026-02-18. Review status: criteria provided, single submitter. Criteria: GeneDx Variant Classification Process June 2021. Collection method: clinical testing. Allele origin: germline.
Comment: Not observed at significant frequency in large population cohorts (gnomAD); In silico analysis supports that this missense variant has a deleterious effect on protein structure/function; Has not been previously published as pathogenic or benign to our knowledge

PreventionGenetics, part of Exact Sciences
Classification: Uncertain significance for MYBPC3-related condition. Last evaluated: 2025-03-22. Review status: criteria provided, single submitter. Criteria: ACMG Guidelines, 2015. Collection method: clinical testing. Allele origin: germline.
Comment: The MYBPC3 c.1802T>C variant is predicted to result in the amino acid substitution p.Leu601Pro. To our knowledge, this variant has not been reported in the literature or in a large population database (gnomAD), indicating this variant is rare. At this time, the clinical significance of this variant is uncertain due to the absence of conclusive functional and genetic evidence.

NM_000256.3(MYBPC3):c.1802T>C (p.Leu601Pro)

Gene: MYBPC3 (myosin binding protein C3; minus strand). Cytogenetic location: 11p11.2.
Variant type: single nucleotide variant.
Coding change: c.1802T>C on transcript NM_000256.3 (MANE Select); coding-DNA position 1802, T replaced by C.
Protein change: p.Leu601Pro; replaces leucine 601 with proline.
Molecular consequence: missense variant.
Genome position (GRCh38, 1-based): chr11:47,341,233, A>G on the plus strand (T>C on the coding strand, the complement: MYBPC3 is on the minus strand). VCF-style: chr11-47341233-A-G. GRCh37 (hg19) VCF-style: chr11-47362784-A-G.
Other names: short protein forms L601P.
Identifiers: ClinVar variation 4998130 (VCV004998130.1).